The following is an entry in ClinVar:

NM_000301.5(PLG):c.422C>T (p.Thr141Ile)

Gene: PLG (plasminogen; plus strand). Cytogenetic location: 6q26.
Variant type: single nucleotide variant.
Coding change: c.422C>T on transcript NM_000301.5 (MANE Select); coding-DNA position 422, C replaced by T.
Protein change: p.Thr141Ile; replaces threonine 141 with isoleucine.
Molecular consequence: missense variant.
Genome position (GRCh38, 1-based): chr6:160,713,000, C>T. VCF-style: chr6-160713000-C-T. GRCh37 (hg19) VCF-style: chr6-161134032-C-T.
Other names: short protein forms T141I.
Identifiers: ClinVar variation 2988133 (VCV002988133.3), dbSNP rs1202259118, ClinGen allele CA366361628.

ClinVar aggregate classification (germline): Uncertain significance (1 of 4 stars; one submission).

Allele frequency attached by ClinVar (database versions not stated): TOPMed below 0.00001; gnomAD exomes 0.00002.
gnomAD v4.1: 24 of 1,610,284 alleles (0.0015%); highest among the groups gnomAD compares: Non-Finnish European, 0.002%; no homozygotes.

Submission:

Labcorp Genetics (formerly Invitae), Labcorp
Classification: Uncertain significance. Last evaluated: 2023-03-29. Review status: criteria provided, single submitter. Criteria: Invitae Variant Classification Sherloc (09022015). Collection method: clinical testing. Allele origin: germline.
Comment: In summary, the available evidence is currently insufficient to determine the role of this variant in disease. Therefore, it has been classified as a Variant of Uncertain Significance. This variant has not been reported in the literature in individuals affected with PLG-related conditions. Advanced modeling of protein sequence and biophysical properties (such as structural, functional, and spatial information, amino acid conservation, physicochemical variation, residue mobility, and thermodynamic stability) performed at Invitae indicates that this missense variant is not expected to disrupt PLG protein function. This sequence change replaces threonine, which is neutral and polar, with isoleucine, which is neutral and non-polar, at codon 141 of the PLG protein (p.Thr141Ile). This variant is present in population databases (no rsID available, gnomAD 0.002%).